The following is an entry in ClinVar:

ClinVar aggregate classification (germline): Pathogenic/Likely pathogenic. Review status: criteria provided, multiple submitters, no conflicts (2 of 4 stars). 2 submissions from 2 submitters: Pathogenic (1); Likely pathogenic (1). Last evaluated 2021-12-18.

Conditions:
Autosomal recessive nonsyndromic hearing loss 77. Identifiers: Orphanet 90636, MedGen C2746083, MONDO:0013119, OMIM 613079.

Submissions (2):

Labcorp Genetics (formerly Invitae), Labcorp
Classification: Pathogenic. Last evaluated: 2021-12-18. Review status: criteria provided, single submitter. Criteria: Invitae Variant Classification Sherloc (09022015). Collection method: clinical testing. Allele origin: germline.
Comment: For these reasons, this variant has been classified as Pathogenic. This variant has not been reported in the literature in individuals affected with LOXHD1-related conditions. This variant is not present in population databases (gnomAD no frequency). This sequence change creates a premature translational stop signal (p.Tyr1792*) in the LOXHD1 gene. It is expected to result in an absent or disrupted protein product. Loss-of-function variants in LOXHD1 are known to be pathogenic (PMID: 19732867, 21465660, 25792669).

Juno Genomics, Hangzhou Juno Genomics, Inc
Classification: Likely pathogenic for Autosomal recessive nonsyndromic hearing loss 77. Review status: criteria provided, single submitter. Criteria: ACMG Guidelines, 2015. Collection method: clinical testing. Allele origin: germline.
Comment: Null variant in a gene where loss of function (LOF) is a known mechanism of disease.;Absent from controls (or at extremely low frequency if recessive) in Genome Aggregation Database.

Literature cited by the submitters: PubMed 19732867 (cited by Labcorp Genetics (formerly Invitae), Labcorp); PubMed 21465660 (cited by Labcorp Genetics (formerly Invitae), Labcorp); PubMed 25792669 (cited by Labcorp Genetics (formerly Invitae), Labcorp).

NM_001384474.1(LOXHD1):c.5562C>A (p.Tyr1854Ter)

Gene: LOXHD1 (lipoxygenase homology PLAT domains 1; minus strand). Cytogenetic location: 18q21.1.
Variant type: single nucleotide variant.
Coding change: c.5562C>A on transcript NM_001384474.1 (MANE Select); coding-DNA position 5562, C replaced by A.
Protein change: p.Tyr1854Ter; replaces tyrosine 1854 with a stop codon.
Molecular consequence: nonsense.
Genome position (GRCh38, 1-based): chr18:46,507,668, G>T on the plus strand (C>A on the coding strand, the complement: LOXHD1 is on the minus strand). VCF-style: chr18-46507668-G-T. GRCh37 (hg19) VCF-style: chr18-44087631-G-T.
Other names: c.2229C>A, p.Tyr743Ter (NM_001145472.3); c.279C>A, p.Tyr93Ter (NM_001145473.3, NM_001173129.2); c.1941C>A, p.Tyr647Ter (NM_001308013.2); c.5376C>A, p.Tyr1792Ter (NM_144612.7); short protein forms Y647*, Y1792*, Y1854*, Y93*, Y743*.
Identifiers: ClinVar variation 2046257 (VCV002046257.6), dbSNP rs1445886162, ClinGen allele CA402368217.